The following is an entry in ClinVar:

ClinVar aggregate classification (germline): Uncertain significance. Review status: criteria provided, multiple submitters, no conflicts (2 of 4 stars). 3 submissions from 3 submitters: Uncertain significance (3). Last evaluated 2023-11-01.

Conditions:
Orofaciodigital syndrome type 6 (OFD6). Also called: OROFACIODIGITAL SYNDROME VI; OFDS VI; POLYDACTYLY, CLEFT LIP/PALATE OR LINGUAL LUMP, AND PSYCHOMOTOR RETARDATION; VARADI SYNDROME; VARADI-PAPP SYNDROME; Oral-facial-digital syndrome type 6. Identifiers: Orphanet 2754, MedGen C2745997, MONDO:0010176, OMIM 277170.
Joubert syndrome 17 (JBTS17). Identifiers: Orphanet 475, MedGen C3553264, MONDO:0013824, OMIM 614615.

Allele frequency attached by ClinVar (database versions not stated): ExAC 0.00002; gnomAD exomes 0.00003; gnomAD 0.00004 and 0.00005; TOPMed 0.00005.
gnomAD v4.1: 54 of 1,614,018 alleles (0.0033%); highest among the groups gnomAD compares: Middle Eastern, 0.033%; no homozygotes.

Submissions (3):

CeGaT Center for Human Genetics Tuebingen
Classification: Uncertain significance. Last evaluated: 2023-11-01. Review status: criteria provided, single submitter. Criteria: CeGaT Center For Human Genetics Tuebingen Variant Classification Criteria Version 2. Collection method: clinical testing. Allele origin: germline. Affected: yes. Observed: 1 variant allele.
Comment: CPLANE1: PM2, BP4

Labcorp Genetics (formerly Invitae), Labcorp
Classification: Uncertain significance. Last evaluated: 2022-11-22. Review status: criteria provided, single submitter. Criteria: Invitae Variant Classification Sherloc (09022015). Collection method: clinical testing. Allele origin: germline.
Comment: In summary, the available evidence is currently insufficient to determine the role of this variant in disease. Therefore, it has been classified as a Variant of Uncertain Significance. Algorithms developed to predict the effect of sequence changes on RNA splicing suggest that this variant may disrupt the consensus splice site. Advanced modeling of protein sequence and biophysical properties (such as structural, functional, and spatial information, amino acid conservation, physicochemical variation, residue mobility, and thermodynamic stability) performed at Invitae indicates that this missense variant is not expected to disrupt CPLANE1 protein function. ClinVar contains an entry for this variant (Variation ID: 1360070). This variant has not been reported in the literature in individuals affected with CPLANE1-related conditions. This variant is present in population databases (rs763642816, gnomAD 0.02%). This sequence change replaces valine, which is neutral and non-polar, with alanine, which is neutral and non-polar, at codon 1207 of the CPLANE1 protein (p.Val1207Ala).

Fulgent Genetics
Classification: Uncertain significance for Orofaciodigital syndrome type 6; Joubert syndrome 17. Last evaluated: 2022-02-02. Review status: criteria provided, single submitter. Criteria: ACMG Guidelines, 2015. Collection method: clinical testing. Allele origin: unknown.

NM_001384732.1(CPLANE1):c.3620T>C (p.Val1207Ala)

Gene: CPLANE1 (ciliogenesis and planar polarity effector complex subunit 1; minus strand). Cytogenetic location: 5p13.2.
Variant type: single nucleotide variant.
Coding change: c.3620T>C on transcript NM_001384732.1 (MANE Select); coding-DNA position 3620, T replaced by C.
Protein change: p.Val1207Ala; replaces valine 1207 with alanine.
Molecular consequence: missense variant.
Genome position (GRCh38, 1-based): chr5:37,198,754, A>G on the plus strand (T>C on the coding strand, the complement: CPLANE1 is on the minus strand). VCF-style: chr5-37198754-A-G. GRCh37 (hg19) VCF-style: chr5-37198856-A-G.
Other names: c.3620T>C, p.Val1207Ala (NM_023073.4); short protein forms V1207A.
Identifiers: ClinVar variation 1360070 (VCV001360070.31), dbSNP rs763642816, ClinGen allele CA3238900.